The following is an entry in ClinVar:

ClinVar aggregate classification (germline): Uncertain significance (1 of 4 stars; one submission).

Conditions:
Hepatic veno-occlusive disease-immunodeficiency syndrome. Also called: Hepatic Veno-Occlusive Disease with Immunodeficiency. Identifiers: Orphanet 79124, MedGen C1856128, MONDO:0009338, OMIM 235550. Disease mechanism: loss of function.

Allele frequency attached by ClinVar (database versions not stated): ExAC 0.00001; gnomAD 0.00001; gnomAD exomes 0.00002.
gnomAD v4.1: 34 of 1,613,836 alleles (0.0021%); highest among the groups gnomAD compares: Middle Eastern, 0.049%; no homozygotes.

Submission:

Labcorp Genetics (formerly Invitae), Labcorp
Classification: Uncertain significance for Hepatic venoocclusive disease with immunodeficiency. Last evaluated: 2018-10-31. Review status: criteria provided, single submitter. Criteria: Invitae Variant Classification Sherloc (09022015). Collection method: clinical testing. Allele origin: germline.
Comment: This sequence change replaces valine with methionine at codon 674 of the SP110 protein (p.Val674Met). The valine residue is moderately conserved and there is a small physicochemical difference between valine and methionine. This variant is present in population databases (rs765155471, ExAC 0.006%). This variant has not been reported in the literature in individuals with SP110-related disease. Algorithms developed to predict the effect of missense changes on protein structure and function output the following: SIFT: "Deleterious"; PolyPhen-2: "Benign"; Align-GVGD: "Class C0". The methionine amino acid residue is found in multiple mammalian species, suggesting that this missense change does not adversely affect protein function. These predictions have not been confirmed by published functional studies and their clinical significance is uncertain. In summary, the available evidence is currently insufficient to determine the role of this variant in disease. Therefore, it has been classified as a Variant of Uncertain Significance.

NM_080424.4(SP110):c.2092G>A (p.Val698Met)

Gene: SP110 (SP110 nuclear body protein; minus strand). Cytogenetic location: 2q37.1.
Variant type: single nucleotide variant.
Coding change: c.2092G>A on transcript NM_080424.4 (MANE Select); coding-DNA position 2092, G replaced by A.
Protein change: p.Val698Met; replaces valine 698 with methionine.
Molecular consequence: missense variant.
Genome position (GRCh38, 1-based): chr2:230,169,174, C>T on the plus strand (G>A on the coding strand, the complement: SP110 is on the minus strand). VCF-style: chr2-230169174-C-T. GRCh37 (hg19) VCF-style: chr2-231033890-C-T.
Other names: c.2188G>A, p.Val730Met (NM_001378442.1); c.2170G>A, p.Val724Met (NM_001378443.1); c.2110G>A, p.Val704Met (NM_001378444.1); c.2038G>A, p.Val680Met (NM_001378445.1); c.1897G>A, p.Val633Met (NM_001378446.1); c.2020G>A, p.Val674Met (NM_004509.5); short protein forms V674M, V698M, V633M, V680M, V704M, V724M, V730M.
Identifiers: ClinVar variation 662821 (VCV000662821.1), dbSNP rs765155471, ClinGen allele CA2154242.